The following is an entry in ClinVar:

NC_000002.11:g.(?_172291088)_(172291716_?)del

Genes: METTL8 (methyltransferase 8, tRNA N3-cytidine; minus strand), DCAF17 (DDB1 and CUL4 associated factor 17; plus strand). Cytogenetic location: 2q31.1.
Variant type: Deletion.
Identifiers: ClinVar variation 3247166 (VCV003247166.1).

ClinVar aggregate classification (germline): Pathogenic (1 of 4 stars; one submission).

Conditions:
Woodhouse-Sakati syndrome. Also called: Hypogonadism, Alopecia, Diabetes Mellitus, Mental Retardation, and Extrapyramidal Syndrome; EXTRAPYRAMIDAL DISORDER, PROGRESSIVE, WITH PRIMARY HYPOGONADISM, MENTAL RETARDATION, AND ALOPECIA; Hypogonadism, diabetes mellitus, alopecia, mental retardation and electrocardiographic abnormalities. Identifiers: Orphanet 3464, MedGen C0342286, MONDO:0009419, OMIM 241080.

Submission:

Labcorp Genetics (formerly Invitae), Labcorp
Classification: Pathogenic for Woodhouse-Sakati syndrome. Last evaluated: 2023-10-22. Review status: criteria provided, single submitter. Criteria: Invitae Variant Classification Sherloc (09022015). Collection method: clinical testing. Allele origin: unknown.
Comment: This variant is a gross deletion of the genomic region encompassing exon(s) 1-2 of the DCAF17 gene, which includes the initiator codon. This deletion extends beyond the assayed region for this gene and therefore may encompass additional genes. It is expected to result in an absent or disrupted protein product. Loss-of-function variants in DCAF17 are known to be pathogenic (PMID: 19026396, 20507343). This variant has not been reported in the literature in individuals affected with DCAF17-related conditions. For these reasons, this variant has been classified as Pathogenic.

Literature cited by the submitters: PubMed 19026396; PubMed 20507343.